The following is an entry in ClinVar:

NM_000143.4(FH):c.1144A>G (p.Met382Val)

Gene: FH (fumarate hydratase; minus strand). Cytogenetic location: 1q43.
Variant type: single nucleotide variant.
Coding change: c.1144A>G on transcript NM_000143.4 (MANE Select); coding-DNA position 1144, A replaced by G.
Protein change: p.Met382Val; replaces methionine 382 with valine.
Molecular consequence: missense variant.
Genome position (GRCh38, 1-based): chr1:241,502,535, T>C on the plus strand (A>G on the coding strand, the complement: FH is on the minus strand). VCF-style: chr1-241502535-T-C. GRCh37 (hg19) VCF-style: chr1-241665835-T-C.
Other names: p.Met382Val; short protein forms M382V.
Identifiers: ClinVar variation 265148 (VCV000265148.16), dbSNP rs886039365, ClinGen allele CA10588290.

ClinVar aggregate classification (germline): Pathogenic/Likely pathogenic. Review status: criteria provided, multiple submitters, no conflicts (2 of 4 stars). 5 submissions from 5 submitters: Pathogenic (2); Likely pathogenic (3). Last evaluated 2025-04-23.

Conditions:
Hereditary cancer-predisposing syndrome. Also called: Tumor predisposition; Hereditary neoplastic syndrome; Neoplastic Syndromes, Hereditary; Hereditary Cancer Syndrome. Identifiers: Orphanet 140162, MedGen C0027672, MeSH D009386, MONDO:0015356.
Hereditary leiomyomatosis and renal cell cancer. Also called: Multiple cutaneous leiomyomas; MULTIPLE CUTANEOUS AND UTERINE LEIOMYOMATA 1, WITH OR WITHOUT RENAL CELL CARCINOMA; FH tumor predisposition syndrome; LEIOMYOMA, MULTIPLE CUTANEOUS; Reed syndrome; Multiple cutaneous and uterine leiomyomatosis. Identifiers: Orphanet 523, MedGen C1708350, MONDO:0007888, OMIM 150800, HP:0007437. Disease mechanism: loss of function.

Allele frequency attached by ClinVar (database versions not stated): gnomAD exomes below 0.00001.
gnomAD v4.1: 1 of 1,614,200 alleles (0.000062%); highest among the groups gnomAD compares: East Asian, 0.0022%; no homozygotes.

Submissions (5):

Mayo Clinic Laboratories, Mayo Clinic
Classification: Likely pathogenic. Last evaluated: 2025-04-23. Review status: criteria provided, single submitter. Criteria: ACMG Guidelines, 2015. Collection method: clinical testing. Allele origin: germline. Observed: 1 variant allele.
Comment: PP1, PP3, PP4, PM2_supporting, PS4_moderate

Labcorp Genetics (formerly Invitae), Labcorp
Classification: Pathogenic. Last evaluated: 2024-11-15. Review status: criteria provided, single submitter. Criteria: Invitae Variant Classification Sherloc (09022015). Collection method: clinical testing. Allele origin: germline.
Comment: This sequence change replaces methionine, which is neutral and non-polar, with valine, which is neutral and non-polar, at codon 382 of the FH protein (p.Met382Val). This variant is not present in population databases (gnomAD no frequency). This missense change has been observed in individuals with hereditary leiomyomatosis and renal cell cancer (HLRCC) (PMID: 20618355, 26113603; internal data). ClinVar contains an entry for this variant (Variation ID: 265148). Invitae Evidence Modeling of protein sequence and biophysical properties (such as structural, functional, and spatial information, amino acid conservation, physicochemical variation, residue mobility, and thermodynamic stability) indicates that this missense variant is expected to disrupt FH protein function with a positive predictive value of 95%. For these reasons, this variant has been classified as Pathogenic.

Ambry Genetics
Classification: Pathogenic for Hereditary cancer-predisposing syndrome. Last evaluated: 2023-09-11. Review status: criteria provided, single submitter. Criteria: Ambry Variant Classification Scheme 2023. Collection method: clinical testing. Allele origin: germline.
Comment: The p.M382V pathogenic mutation (also known as c.1144A>G), located in coding exon 8 of the FH gene, results from an A to G substitution at nucleotide position 1144. The methionine at codon 382 is replaced by valine, an amino acid with highly similar properties. This alteration has been observed in several individuals with a personal and/or family history that is consistent with FH-related disease (Smit DL et al. Clin. Genet. 2011 Jan; 79(1):49-59; Ambry internal data). This amino acid position is highly conserved in available vertebrate species. In addition, this alteration is predicted to be deleterious by in silico analysis. This variant is considered to be rare based on population cohorts in the Genome Aggregation Database (gnomAD). Based on the majority of available evidence to date, this variant is likely to be pathogenic.

Myriad Genetics, Inc.
Classification: Likely pathogenic for Hereditary leiomyomatosis and renal cell cancer. Last evaluated: 2023-07-11. Review status: criteria provided, single submitter. Criteria: Myriad Autosomal Dominant, Autosomal Recessive and X-Linked Classification Criteria (2023). Collection method: clinical testing. Allele origin: unknown.
Comment: This variant is considered likely pathogenic. This variant has been reported in multiple individuals with clinical features of gene-specific disease [PMID: 20618355, 29174943]. Functional studies indicate this variant impacts protein function [PMID: 29530542, 37053010].

GeneDx
Classification: Likely pathogenic. Last evaluated: 2019-09-10. Review status: criteria provided, single submitter. Criteria: GeneDx Variant Classification Process June 2021. Collection method: clinical testing. Allele origin: germline. Affected: yes.
Comment: Not observed in large population cohorts (Lek 2016); In silico analysis, which includes protein predictors and evolutionary conservation, supports a deleterious effect; Identified in patients with FH-related neoplasms referred for genetic testing at GeneDx and in published literature (Smit 2011, Aissani 2015, Campbell 2018); This variant is associated with the following publications: (PMID: 26113603, 28748451, 20618355, 29530542)

Literature cited by the submitters: PubMed 20618355 (cited by 4 submitters); PubMed 29174943 (cited by Mayo Clinic Laboratories, Mayo Clinic and Myriad Genetics, Inc.); PubMed 26113603 (cited by Labcorp Genetics (formerly Invitae), Labcorp); PubMed 29530542 (cited by Myriad Genetics, Inc.); PubMed 37053010 (cited by Myriad Genetics, Inc.).